The following is an entry in ClinVar:

ClinVar aggregate classification (germline): Uncertain significance (1 of 4 stars; one submission).

Conditions:
Sialuria. Also called: Sialic Acid Storage Disease; SIALURIA, FRENCH TYPE. Identifiers: Orphanet 3166, MedGen C0342853, MONDO:0010028, OMIM 269921.
GNE myopathy (NM). Also called: IBM 2; Inclusion body myopathy autosomal recessive; Inclusion body myopathy quadriceps sparing; NONAKA DISTAL MYOPATHY; INCLUSION BODY MYOPATHY, HEREDITARY, AUTOSOMAL RECESSIVE; INCLUSION BODY MYOPATHY 2, AUTOSOMAL RECESSIVE. Identifiers: Orphanet 602, MedGen C1853926, MONDO:0011603, OMIM 605820.

gnomAD v4.1: 2 of 1,613,622 alleles (0.00012%); highest among the groups gnomAD compares: South Asian, 0.0011%; no homozygotes.

Submission:

Labcorp Genetics (formerly Invitae), Labcorp
Classification: Uncertain significance for Sialuria; GNE myopathy. Last evaluated: 2025-06-22. Review status: criteria provided, single submitter. Criteria: Invitae Variant Classification Sherloc (09022015). Collection method: clinical testing. Allele origin: germline.
Comment: This sequence change replaces alanine, which is neutral and non-polar, with threonine, which is neutral and polar, at codon 491 of the GNE protein (p.Ala491Thr). This variant is present in population databases (rs771303552, gnomAD 0.0009%). This variant has not been reported in the literature in individuals affected with GNE-related conditions. Invitae Evidence Modeling of protein sequence and biophysical properties (such as structural, functional, and spatial information, amino acid conservation, physicochemical variation, residue mobility, and thermodynamic stability) has been performed for this missense variant. However, the output from this modeling did not meet the statistical confidence thresholds required to predict the impact of this variant on GNE protein function. In summary, the available evidence is currently insufficient to determine the role of this variant in disease. Therefore, it has been classified as a Variant of Uncertain Significance.

NM_005476.7(GNE):c.1378G>A (p.Ala460Thr)

Gene: GNE (glucosamine (UDP-N-acetyl)-2-epimerase/N-acetylmannosamine kinase; minus strand). Cytogenetic location: 9p13.3.
Variant type: single nucleotide variant.
Coding change: c.1378G>A on transcript NM_005476.7 (MANE Select); coding-DNA position 1378, G replaced by A.
Protein change: p.Ala460Thr; replaces alanine 460 with threonine.
Molecular consequence: missense variant.
Genome position (GRCh38, 1-based): chr9:36,223,406, C>T on the plus strand (G>A on the coding strand, the complement: GNE is on the minus strand). VCF-style: chr9-36223406-C-T. GRCh37 (hg19) VCF-style: chr9-36223403-C-T.
Other names: c.1471G>A, p.Ala491Thr (NM_001128227.3); c.1378G>A, p.Ala460Thr (NM_001190383.3); c.1048G>A, p.Ala350Thr (NM_001190384.3); c.1201G>A, p.Ala401Thr (NM_001190388.2, NM_001374798.1); c.1225G>A, p.Ala409Thr (NM_001374797.1); short protein forms A401T, A409T, A350T, A460T, A491T.
Identifiers: ClinVar variation 4782457 (VCV004782457.1).